The following is an entry in ClinVar:

ClinVar aggregate classification (germline): Uncertain significance. Review status: criteria provided, multiple submitters, no conflicts (2 of 4 stars). 5 submissions from 5 submitters: Uncertain significance (5). Last evaluated 2026-05-06.

Conditions:
Joubert syndrome. Also called: JOUBERT-BOLTSHAUSER SYNDROME; Familial aplasia of the vermis. Identifiers: Orphanet 475, MedGen C5979921, MONDO:0018772.
Joubert syndrome 1 (JBTS1). Also called: Cerebellooculorenal syndrome 1; CEREBELLOPARENCHYMAL DISORDER IV. Identifiers: MedGen C4551568, MONDO:0008944, OMIM 213300.
MORM syndrome (MORMS). Identifiers: Orphanet 75858, MedGen C1857802, MONDO:0012423, OMIM 610156.
Inborn genetic diseases. Identifiers: MedGen C0950123, MeSH D030342.
INPP5E-related disorder. Also called: INPP5E-related condition.

Allele frequency attached by ClinVar (database versions not stated): TOPMed below 0.00001; gnomAD exomes 0.00001.
gnomAD v4.1: 9 of 1,583,478 alleles (0.00057%); highest among the groups gnomAD compares: Non-Finnish European, 0.00069%; no homozygotes.

Submissions (5):

PreventionGenetics, part of Exact Sciences
Classification: Uncertain significance for INPP5E-related condition. Last evaluated: 2026-05-06. Review status: criteria provided, single submitter. Criteria: ACMG Guidelines, 2015. Collection method: clinical testing. Allele origin: germline.
Comment: The INPP5E c.310G>C variant is predicted to result in the amino acid substitution p.Glu104Gln. To our knowledge, this variant has not been reported in the literature or in a large population database (gnomAD), indicating this variant is rare. At this time, the clinical significance of this variant is uncertain due to the absence of conclusive functional and genetic evidence.

Labcorp Genetics (formerly Invitae), Labcorp
Classification: Uncertain significance for Joubert syndrome. Last evaluated: 2025-09-02. Review status: criteria provided, single submitter. Criteria: Invitae Variant Classification Sherloc (09022015). Collection method: clinical testing. Allele origin: germline.
Comment: This sequence change replaces glutamic acid, which is acidic and polar, with glutamine, which is neutral and polar, at codon 104 of the INPP5E protein (p.Glu104Gln). This variant is not present in population databases (gnomAD no frequency). This variant has not been reported in the literature in individuals affected with INPP5E-related conditions. ClinVar contains an entry for this variant (Variation ID: 1059895). Invitae Evidence Modeling of protein sequence and biophysical properties (such as structural, functional, and spatial information, amino acid conservation, physicochemical variation, residue mobility, and thermodynamic stability) has been performed for this missense variant. However, the output from this modeling did not meet the statistical confidence thresholds required to predict the impact of this variant on INPP5E protein function. In summary, the available evidence is currently insufficient to determine the role of this variant in disease. Therefore, it has been classified as a Variant of Uncertain Significance.

Ambry Genetics
Classification: Uncertain significance for Inborn genetic diseases. Last evaluated: 2025-05-30. Review status: criteria provided, single submitter. Criteria: Ambry Variant Classification Scheme 2023. Collection method: clinical testing. Allele origin: germline.

Fulgent Genetics
Classification: Uncertain significance for Joubert syndrome 1; MORM syndrome. Last evaluated: 2024-03-19. Review status: criteria provided, single submitter. Criteria: ACMG Guidelines, 2015. Collection method: clinical testing. Allele origin: germline.

Department of Pathology and Laboratory Medicine, Sinai Health System
Classification: Uncertain significance for Joubert syndrome 1; MORM syndrome. Last evaluated: 2022-01-12. Review status: criteria provided, single submitter. Criteria: ACMG Guidelines, 2015. Collection method: research. Allele origin: germline.

NM_019892.6(INPP5E):c.310G>C (p.Glu104Gln)

Gene: INPP5E (inositol polyphosphate-5-phosphatase E; minus strand). Cytogenetic location: 9q34.3.
Variant type: single nucleotide variant.
Coding change: c.310G>C on transcript NM_019892.6 (MANE Select); coding-DNA position 310, G replaced by C.
Protein change: p.Glu104Gln; replaces glutamic acid 104 with glutamine.
Molecular consequence: missense variant.
Genome position (GRCh38, 1-based): chr9:136,439,110, C>G on the plus strand (G>C on the coding strand, the complement: INPP5E is on the minus strand). VCF-style: chr9-136439110-C-G. GRCh37 (hg19) VCF-style: chr9-139333562-C-G.
Other names: c.310G>C (NM_019892.5, NM_019892.4); c.310G>C, p.Glu104Gln (NM_001318502.2); short protein forms E104Q.
Identifiers: ClinVar variation 1059895 (VCV001059895.14), dbSNP rs1405900741, ClinGen allele CA375569843.